The following is an entry in ClinVar:

ClinVar aggregate classification (germline): Uncertain significance (1 of 4 stars; one submission).

Conditions:
Cohen syndrome (COH1). Also called: PEPPER SYNDROME; Cutis verticis gyrata, retinitis pigmentosa, and sensorineural deafness. Identifiers: Orphanet 193, MedGen C0265223, MONDO:0008999, OMIM 216550.

Allele frequency attached by ClinVar (database versions not stated): gnomAD exomes below 0.00001; TOPMed below 0.00001; gnomAD 0.00001.
gnomAD v4.1: 2 of 1,600,810 alleles (0.00012%); highest among the groups gnomAD compares: Non-Finnish European, 0.00017%; no homozygotes.

Submission:

Labcorp Genetics (formerly Invitae), Labcorp
Classification: Uncertain significance for Cohen syndrome. Last evaluated: 2022-06-02. Review status: criteria provided, single submitter. Criteria: Invitae Variant Classification Sherloc (09022015). Collection method: clinical testing. Allele origin: germline.
Comment: This sequence change falls in intron 19 of the VPS13B gene. It does not directly change the encoded amino acid sequence of the VPS13B protein. It affects a nucleotide within the consensus splice site. In summary, the available evidence is currently insufficient to determine the role of this variant in disease. Therefore, it has been classified as a Variant of Uncertain Significance. Variants that disrupt the consensus splice site are a relatively common cause of aberrant splicing (PMID: 17576681, 9536098). Algorithms developed to predict the effect of sequence changes on RNA splicing suggest that this variant is not likely to affect RNA splicing. This variant has not been reported in the literature in individuals affected with VPS13B-related conditions. This variant is not present in population databases (gnomAD no frequency).

Literature cited by the submitters: PubMed 17576681; PubMed 9536098.

NM_152564.5(VPS13B):c.2824+4A>G

Gene: VPS13B (vacuolar protein sorting 13 homolog B; plus strand). Cytogenetic location: 8q22.2.
Variant type: single nucleotide variant.
Coding change: c.2824+4A>G on transcript NM_152564.5 (MANE Select); 4 bases into the intron after coding-DNA position 2824, A replaced by G.
Molecular consequence: intron variant.
Genome position (GRCh38, 1-based): chr8:99,275,258, A>G. VCF-style: chr8-99275258-A-G. GRCh37 (hg19) VCF-style: chr8-100287486-A-G.
Other names: c.2824+4A>G (NM_017890.5).
Identifiers: ClinVar variation 2159505 (VCV002159505.4), dbSNP rs1464379945, ClinGen allele CA857550779.